The following is an entry in ClinVar:

NC_000015.10:g.84817333A>G

Gene: ALPK3 (alpha kinase 3; plus strand). Cytogenetic location: 15q25.3.
Variant type: single nucleotide variant.
Genome position: GRCh38 VCF-style: chr15-84817333-A-G. GRCh37 (hg19) VCF-style: chr15-85360564-A-G.
Other names: short protein forms R163G.
Identifiers: ClinVar variation 1206896 (VCV001206896.12), dbSNP rs1008637055, ClinGen allele CA273651054.
Genomic context (GRCh38, chr15:84,817,333, plus strand): 5'-CGGGCCAGGCCAGGGGAGGGACAGCAGCAGGTGACGACGGCCCGGCCACCGGCTATAAAT[A>G]GGGGCGCGCGTCAGCCGCGGGCGGGAGCGGCGGCGGCGGGCAGGGGCCCGGGGGCCGGGG-3'

ClinVar aggregate classification (germline): Conflicting classifications of pathogenicity. Review status: criteria provided, conflicting classifications (1 of 4 stars). 3 submissions from 3 submitters: Uncertain significance (2); Likely benign (1). Last evaluated 2025-12-15.

Conditions:
Cardiovascular phenotype. Identifiers: MedGen CN230736.

Allele frequency attached by ClinVar (database versions not stated): gnomAD exomes 0.00001; gnomAD 0.00010 and 0.00011; 1000 Genomes Project 30x 0.00031; TOPMed 0.00025.

Submissions (3):

Labcorp Genetics (formerly Invitae), Labcorp
Classification: Uncertain significance. Last evaluated: 2025-12-15. Review status: criteria provided, single submitter. Criteria: Invitae Variant Classification Sherloc (09022015). Collection method: clinical testing. Allele origin: germline.
Comment: This sequence change replaces arginine, which is basic and polar, with glycine, which is neutral and non-polar, at codon 163 of the ALPK3 protein (p.Arg163Gly). This variant is present in population databases (no rsID available, gnomAD 0.1%). This missense change has been observed in individual(s) with clinical features of ALPK3-related conditions (internal data). ClinVar contains an entry for this variant (Variation ID: 1206896). An algorithm developed to predict the effect of missense changes on protein structure and function (PolyPhen-2) suggests that this variant is likely to be tolerated. In summary, the available evidence is currently insufficient to determine the role of this variant in disease. Therefore, it has been classified as a Variant of Uncertain Significance.

Ambry Genetics
Classification: Uncertain significance for Cardiovascular phenotype. Last evaluated: 2024-02-26. Review status: criteria provided, single submitter. Criteria: Ambry Variant Classification Scheme 2023. Collection method: clinical testing. Allele origin: germline.
Comment: The p.R163G variant (also known as c.487A>G), located in coding exon 1 of the ALPK3 gene, results from an A to G substitution at nucleotide position 487. The arginine at codon 163 is replaced by glycine, an amino acid with dissimilar properties. This amino acid position is well conserved in available vertebrate species. In addition, this alteration is predicted to be tolerated by in silico analysis. Since supporting evidence is limited at this time, the clinical significance of this alteration remains unclear.

GeneDx
Classification: Likely benign. Last evaluated: 2020-11-13. Review status: criteria provided, single submitter. Criteria: GeneDx Variant Classification Process June 2021. Collection method: clinical testing. Allele origin: germline. Affected: yes.